The following is an entry in ClinVar:

NM_000090.4(COL3A1):c.1216G>C (p.Ala406Pro)

Gene: COL3A1 (collagen type III alpha 1 chain; plus strand). Cytogenetic location: 2q32.2.
Variant type: single nucleotide variant.
Coding change: c.1216G>C on transcript NM_000090.4 (MANE Select); coding-DNA position 1216, G replaced by C.
Protein change: p.Ala406Pro; replaces alanine 406 with proline.
Molecular consequence: missense variant.
Genome position (GRCh38, 1-based): chr2:188,994,255, G>C. VCF-style: chr2-188994255-G-C. GRCh37 (hg19) VCF-style: chr2-189858981-G-C.
Other names: short protein forms A406P.
Identifiers: ClinVar variation 927321 (VCV000927321.5), dbSNP rs1283408710, ClinGen allele CA349851374.
Genomic context (GRCh38, chr2:188,994,255, plus strand): 5'-TCAAGTTCGGCTAATATAGTGTCTTTGGTTTGTTCTTAGGGTCCCGCTGGCATTCCTGGA[G>C]CTCCTGGACTGATGGGAGCCCGGGGTCCTCCAGGACCAGCCGGTGCTAATGGTGCTCCTG-3'
Protein context (NP_000081.2, residues 396-416): GEMGPAGIPG[Ala406Pro]PGLMGARGPP

ClinVar aggregate classification (germline): Uncertain significance (1 of 4 stars; one submission).

Conditions:
Familial thoracic aortic aneurysm and aortic dissection (TAAD). Also called: Thoracic aortic aneurysms and dissections. Identifiers: Orphanet 91387, MedGen C4707243, MONDO:0019625.

Submission:

Color Diagnostics, LLC DBA Color Health
Classification: Uncertain significance for Familial thoracic aortic aneurysm and aortic dissection. Last evaluated: 2023-12-05. Review status: criteria provided, single submitter. Criteria: ACMG Guidelines, 2015. Collection method: clinical testing. Allele origin: germline.
Comment: Variant of Uncertain Significance due to insufficient evidence: This missense variant is located in the triple-helical region of the COL3A1 protein. Computational prediction tools and conservation analyses are inconclusive regarding the impact of this variant on the protein function. Computational splicing tools suggest that this variant may not impact RNA splicing. To our knowledge, functional assays have not been performed for this variant nor has this variant been reported in individuals affected with cardiovascular disorders in the literature. This variant is rare in the general population and has been identified in 0/277264 chromosomes by the Genome Aggregation Database (gnomAD). Available evidence is insufficient to determine the role of this variant in disease conclusively.